The following is an entry in ClinVar:

ClinVar aggregate classification (germline): Uncertain significance. Review status: criteria provided, multiple submitters, no conflicts (2 of 4 stars). 2 submissions from 2 submitters: Uncertain significance (2). Last evaluated 2023-06-29.

Conditions:
Autosomal recessive limb-girdle muscular dystrophy type R18 (LGMDR18). Also called: Limb-girdle muscular dystrophy, type 2S; MUSCULAR DYSTROPHY, LIMB-GIRDLE, AUTOSOMAL RECESSIVE 18; Autosomal recessive limb-girdle muscular dystrophy type 2S. Identifiers: Orphanet 369840, MedGen C4517996, MONDO:0014144, OMIM 615356.

Allele frequency attached by ClinVar (database versions not stated): gnomAD exomes below 0.00001; gnomAD 0.00005; TOPMed 0.00015.
gnomAD v4.1: 14 of 1,614,096 alleles (0.00087%); highest among the groups gnomAD compares: Admixed American, 0.017%; no homozygotes.

Submissions (2):

Labcorp Genetics (formerly Invitae), Labcorp
Classification: Uncertain significance for Autosomal recessive limb-girdle muscular dystrophy type R18. Last evaluated: 2023-06-29. Review status: criteria provided, single submitter. Criteria: Invitae Variant Classification Sherloc (09022015). Collection method: clinical testing. Allele origin: germline.
Comment: In summary, the available evidence is currently insufficient to determine the role of this variant in disease. Therefore, it has been classified as a Variant of Uncertain Significance. Advanced modeling of protein sequence and biophysical properties (such as structural, functional, and spatial information, amino acid conservation, physicochemical variation, residue mobility, and thermodynamic stability) has been performed at Invitae for this missense variant, however the output from this modeling did not meet the statistical confidence thresholds required to predict the impact of this variant on TRAPPC11 protein function. ClinVar contains an entry for this variant (Variation ID: 2070942). This variant has not been reported in the literature in individuals affected with TRAPPC11-related conditions. This variant is present in population databases (no rsID available, gnomAD 0.007%). This sequence change replaces alanine, which is neutral and non-polar, with valine, which is neutral and non-polar, at codon 1085 of the TRAPPC11 protein (p.Ala1085Val).

Revvity Omics, Revvity
Classification: Uncertain significance for Autosomal recessive limb-girdle muscular dystrophy type R18. Last evaluated: 2020-02-26. Review status: criteria provided, single submitter. Criteria: ACMG Guidelines, 2015. Collection method: clinical testing. Allele origin: germline.

NM_021942.6(TRAPPC11):c.3254C>T (p.Ala1085Val)

Gene: TRAPPC11 (trafficking protein particle complex subunit 11; plus strand). Cytogenetic location: 4q35.1.
Variant type: single nucleotide variant.
Coding change: c.3254C>T on transcript NM_021942.6 (MANE Select); coding-DNA position 3254, C replaced by T.
Protein change: p.Ala1085Val; replaces alanine 1085 with valine.
Molecular consequence: missense variant. On other transcripts: intron variant (1).
Genome position (GRCh38, 1-based): chr4:183,708,471, C>T. VCF-style: chr4-183708471-C-T. GRCh37 (hg19) VCF-style: chr4-184629624-C-T.
Other names: c.3254C>T (NM_021942.5); c.3199+55C>T (NM_199053.3); short protein forms A1085V.
Identifiers: ClinVar variation 2070942 (VCV002070942.5), dbSNP rs1028321684, ClinGen allele CA111870657.